The following is an entry in ClinVar:

ClinVar aggregate classification (germline): Likely benign. Review status: criteria provided, multiple submitters, no conflicts (2 of 4 stars). 3 submissions from 3 submitters: Likely benign (2). 1 of the submissions does not count toward it. Last evaluated 2026-05-01.

Conditions:
SHANK3-related disorder. Also called: SHANK3-related condition.

Allele frequency attached by ClinVar (database versions not stated): ExAC 0.00013; gnomAD exomes 0.00013; 1000 Genomes Project 30x 0.00016; 1000 Genomes Project 0.00020; TOPMed 0.00020; gnomAD 0.00021; ESP Exome Variant Server 0.00024.

Submissions (3):

CeGaT Center for Human Genetics Tuebingen
Classification: Likely benign. Last evaluated: 2026-05-01. Review status: criteria provided, single submitter. Criteria: CeGaT Center For Human Genetics Tuebingen Variant Classification Criteria Version 2. Collection method: clinical testing. Allele origin: germline. Affected: yes. Observed: 2 variant alleles.
Comment: SHANK3: BS2

GeneDx
Classification: Likely benign. Last evaluated: 2021-01-15. Review status: criteria provided, single submitter. Criteria: GeneDx Variant Classification Process June 2021. Collection method: clinical testing. Allele origin: germline. Affected: yes.

PreventionGenetics, part of Exact Sciences
Classification: Likely benign for SHANK3-related condition. Last evaluated: 2023-07-11. Review status: no assertion criteria provided. Collection method: clinical testing. Allele origin: germline. Not counted in ClinVar's aggregate classification.
Comment: This variant is classified as likely benign based on ACMG/AMP sequence variant interpretation guidelines (Richards et al. 2015 PMID: 25741868, with internal and published modifications).

NM_001372044.2(SHANK3):c.837C>A (p.Asp279Glu)

Gene: SHANK3 (SH3 and multiple ankyrin repeat domains 3; plus strand). Cytogenetic location: 22q13.33.
Variant type: single nucleotide variant.
Coding change: c.837C>A on transcript NM_001372044.2 (MANE Select); coding-DNA position 837, C replaced by A.
Protein change: p.Asp279Glu; replaces aspartic acid 279 with glutamic acid.
Molecular consequence: missense variant.
Genome position (GRCh38, 1-based): chr22:50,679,030, C>A. VCF-style: chr22-50679030-C-A. GRCh37 (hg19) VCF-style: chr22-51117458-C-A.
Other names: c.612C>A (NM_033517.1); short protein forms D279E.
Identifiers: ClinVar variation 1187634 (VCV001187634.14), dbSNP rs375458711, ClinGen allele CA10325290.